The following is an entry in ClinVar:

ClinVar aggregate classification (germline): Uncertain significance. Review status: criteria provided, multiple submitters, no conflicts (2 of 4 stars). 2 submissions from 2 submitters: Uncertain significance (2). Last evaluated 2022-12-10.

Allele frequency attached by ClinVar (database versions not stated): gnomAD 0.00001; gnomAD exomes 0.00001.

Submissions (2):

Labcorp Genetics (formerly Invitae), Labcorp
Classification: Uncertain significance. Last evaluated: 2022-12-10. Review status: criteria provided, single submitter. Criteria: Invitae Variant Classification Sherloc (09022015). Collection method: clinical testing. Allele origin: germline.
Comment: Algorithms developed to predict the effect of missense changes on protein structure and function (SIFT, PolyPhen-2, Align-GVGD) all suggest that this variant is likely to be tolerated. ClinVar contains an entry for this variant (Variation ID: 1306498). This variant has not been reported in the literature in individuals affected with PMP2-related conditions. In summary, the available evidence is currently insufficient to determine the role of this variant in disease. Therefore, it has been classified as a Variant of Uncertain Significance. This variant is not present in population databases (gnomAD no frequency). This sequence change replaces aspartic acid, which is acidic and polar, with asparagine, which is neutral and polar, at codon 19 of the PMP2 protein (p.Asp19Asn).

GeneDx
Classification: Uncertain significance. Last evaluated: 2019-06-14. Review status: criteria provided, single submitter. Criteria: GeneDx Variant Classification Process June 2021. Collection method: clinical testing. Allele origin: germline. Affected: yes.
Comment: Not observed in large population cohorts (Lek et al., 2016); In silico analysis, which includes protein predictors and evolutionary conservation, supports a deleterious effect; Has not been previously published as pathogenic or benign to our knowledge

NM_002677.5(PMP2):c.55G>A (p.Asp19Asn)

Gene: PMP2 (peripheral myelin protein 2; minus strand). Cytogenetic location: 8q21.13.
Variant type: single nucleotide variant.
Coding change: c.55G>A on transcript NM_002677.5 (MANE Select); coding-DNA position 55, G replaced by A.
Protein change: p.Asp19Asn; replaces aspartic acid 19 with asparagine.
Molecular consequence: missense variant.
Genome position (GRCh38, 1-based): chr8:81,447,332, C>T on the plus strand (G>A on the coding strand, the complement: PMP2 is on the minus strand). VCF-style: chr8-81447332-C-T. GRCh37 (hg19) VCF-style: chr8-82359567-C-T.
Other names: c.55G>A, p.Asp19Asn (NM_001348381.2); short protein forms D19N.
Identifiers: ClinVar variation 1306498 (VCV001306498.6), dbSNP rs1807464509, ClinGen allele CA371518585.